The following is an entry in ClinVar:

NM_000548.5(TSC2):c.5022C>T (p.Thr1674=)

Gene: TSC2 (TSC complex subunit 2; plus strand). Cytogenetic location: 16p13.3.
Variant type: single nucleotide variant.
Coding change: c.5022C>T on transcript NM_000548.5 (MANE Select); coding-DNA position 5022, C replaced by T.
Protein change: p.Thr1674=; no amino-acid change (threonine 1674 retained).
Molecular consequence: synonymous variant.
Genome position (GRCh38, 1-based): chr16:2,087,895, C>T. VCF-style: chr16-2087895-C-T. GRCh37 (hg19) VCF-style: chr16-2137896-C-T.
Other names: c.4821C>T, p.Thr1607= (NM_001077183.3); c.4953C>T, p.Thr1651= (NM_001114382.3); c.4713C>T, p.Thr1571= (NM_001318827.2); c.4677C>T, p.Thr1559= (NM_001318829.2); c.4290C>T, p.Thr1430= (NM_001318831.2); c.4854C>T, p.Thr1618= (NM_001318832.2); c.4824C>T, p.Thr1608= (NM_001363528.2); c.4890C>T, p.Thr1630= (NM_001370404.1); and 1 more.
Identifiers: ClinVar variation 486615 (VCV000486615.37), dbSNP rs777184691, ClinGen allele CA053539.

ClinVar aggregate classification (germline): Benign/Likely benign. Review status: criteria provided, multiple submitters, no conflicts (2 of 4 stars). 6 submissions from 6 submitters: Benign (2); Likely benign (4). Last evaluated 2025-07-01.

Conditions:
Tuberous sclerosis 2 (TSC2). Identifiers: Orphanet 805, MedGen C1860707, MONDO:0013199, OMIM 613254.
Hereditary cancer-predisposing syndrome. Also called: Hereditary neoplastic syndrome; Neoplastic Syndromes, Hereditary; Hereditary Cancer Syndrome; Tumor predisposition. Identifiers: Orphanet 140162, MedGen C0027672, MeSH D009386, MONDO:0015356.

Allele frequency attached by ClinVar (database versions not stated): ExAC 0.00001; gnomAD 0.00001; gnomAD exomes 0.00001.
gnomAD v4.1: 4 of 1,612,774 alleles (0.00025%); highest among the groups gnomAD compares: Middle Eastern, 0.033%; no homozygotes.

Submissions (6):

CeGaT Center for Human Genetics Tuebingen
Classification: Likely benign. Last evaluated: 2025-07-01. Review status: criteria provided, single submitter. Criteria: CeGaT Center For Human Genetics Tuebingen Variant Classification Criteria Version 2. Collection method: clinical testing. Allele origin: germline. Affected: yes. Observed: 2 variant alleles.
Comment: TSC2: BP4, BP7

Myriad Genetics, Inc.
Classification: Benign for Tuberous sclerosis 2. Last evaluated: 2025-06-05. Review status: criteria provided, single submitter. Criteria: Myriad Autosomal Dominant, Autosomal Recessive and X-Linked Classification Criteria (2023). Collection method: clinical testing. Allele origin: unknown.
Comment: This variant is considered benign. This variant is a silent/synonymous amino acid change and it is not expected to impact splicing.

Labcorp Genetics (formerly Invitae), Labcorp
Classification: Likely benign for Tuberous sclerosis 2. Last evaluated: 2025-04-29. Review status: criteria provided, single submitter. Criteria: Invitae Variant Classification Sherloc (09022015). Collection method: clinical testing. Allele origin: germline.

Blueprint Genetics
Classification: Likely benign. Last evaluated: 2023-12-13. Review status: criteria provided, single submitter. Criteria: ACMG Guidelines, 2015. Collection method: clinical testing. Allele origin: germline.

Genome-Nilou Lab
Classification: Benign for Tuberous sclerosis 2. Last evaluated: 2021-11-07. Review status: criteria provided, single submitter. Criteria: ACMG Guidelines, 2015. Collection method: clinical testing. Allele origin: germline. Affected: no.

Ambry Genetics
Classification: Likely benign for Hereditary cancer-predisposing syndrome. Last evaluated: 2016-12-02. Review status: criteria provided, single submitter. Criteria: Ambry Variant Classification Scheme 2023. Collection method: clinical testing. Allele origin: germline.